The following is an entry in ClinVar:

NM_004320.6(ATP2A1):c.299C>T (p.Ala100Val)

Gene: ATP2A1 (ATPase sarcoplasmic/endoplasmic reticulum Ca2+ transporting 1; plus strand). Cytogenetic location: 16p11.2.
Variant type: single nucleotide variant.
Coding change: c.299C>T on transcript NM_004320.6 (MANE Select); coding-DNA position 299, C replaced by T.
Protein change: p.Ala100Val; replaces alanine 100 with valine.
Molecular consequence: missense variant. On other transcripts: 5 prime UTR variant (1).
Genome position (GRCh38, 1-based): chr16:28,880,994, C>T. VCF-style: chr16-28880994-C-T. GRCh37 (hg19) VCF-style: chr16-28892315-C-T.
Other names: c.-77C>T (NM_001286075.2); c.299C>T, p.Ala100Val (NM_173201.5); short protein forms A100V.
Identifiers: ClinVar variation 2129753 (VCV002129753.4), dbSNP rs2506251095, ClinGen allele CA395400654.

ClinVar aggregate classification (germline): Uncertain significance (1 of 4 stars; one submission).

Conditions:
Brody myopathy. Also called: BRODY DISEASE. Identifiers: Orphanet 53347, MedGen C1832918, MONDO:0010977, OMIM 601003.

Submission:

Labcorp Genetics (formerly Invitae), Labcorp
Classification: Uncertain significance for Brody myopathy. Last evaluated: 2022-04-23. Review status: criteria provided, single submitter. Criteria: Invitae Variant Classification Sherloc (09022015). Collection method: clinical testing. Allele origin: germline.
Comment: In summary, the available evidence is currently insufficient to determine the role of this variant in disease. Therefore, it has been classified as a Variant of Uncertain Significance. Algorithms developed to predict the effect of missense changes on protein structure and function are either unavailable or do not agree on the potential impact of this missense change (SIFT: "Deleterious"; PolyPhen-2: "Probably Damaging"; Align-GVGD: "Class C0"). This variant has not been reported in the literature in individuals affected with ATP2A1-related conditions. This variant is not present in population databases (gnomAD no frequency). This sequence change replaces alanine, which is neutral and non-polar, with valine, which is neutral and non-polar, at codon 100 of the ATP2A1 protein (p.Ala100Val).